The following is an entry in ClinVar:

ClinVar aggregate classification (germline): Uncertain significance (1 of 4 stars; one submission).

Allele frequency attached by ClinVar (database versions not stated): gnomAD exomes 0.00002; ExAC 0.00005.
gnomAD v4.1: 25 of 1,551,386 alleles (0.0016%); highest among the groups gnomAD compares: South Asian, 0.012%; no homozygotes.

Submission:

Labcorp Genetics (formerly Invitae), Labcorp
Classification: Uncertain significance. Last evaluated: 2023-08-17. Review status: criteria provided, single submitter. Criteria: Invitae Variant Classification Sherloc (09022015). Collection method: clinical testing. Allele origin: germline.
Comment: This sequence change affects codon 663 of the LTBP2 mRNA. It is a 'silent' change, meaning that it does not change the encoded amino acid sequence of the LTBP2 protein. The frequency data for this variant in the population databases is considered unreliable, as metrics indicate poor data quality at this position in the gnomAD database. In summary, the available evidence is currently insufficient to determine the role of this variant in disease. Therefore, it has been classified as a Variant of Uncertain Significance. Algorithms developed to predict the effect of sequence changes on RNA splicing suggest that this variant may create or strengthen a splice site. ClinVar contains an entry for this variant (Variation ID: 2176468). This variant has not been reported in the literature in individuals affected with LTBP2-related conditions.

NM_000428.3(LTBP2):c.1989G>A (p.Ser663=)

Gene: LTBP2 (latent transforming growth factor beta binding protein 2; minus strand). Cytogenetic location: 14q24.3.
Variant type: single nucleotide variant.
Coding change: c.1989G>A on transcript NM_000428.3 (MANE Select); coding-DNA position 1989, G replaced by A.
Protein change: p.Ser663=; no amino-acid change (serine 663 retained).
Molecular consequence: synonymous variant.
Genome position (GRCh38, 1-based): chr14:74,529,121, C>T on the plus strand (G>A on the coding strand, the complement: LTBP2 is on the minus strand). VCF-style: chr14-74529121-C-T. GRCh37 (hg19) VCF-style: chr14-74995824-C-T.
Identifiers: ClinVar variation 2176468 (VCV002176468.2), dbSNP rs765564237, ClinGen allele CA7269670.